The following is an entry in ClinVar:

NM_004168.4(SDHA):c.23C>T (p.Ser8Leu)

Gene: SDHA (succinate dehydrogenase complex flavoprotein subunit A; plus strand). Cytogenetic location: 5p15.33.
Variant type: single nucleotide variant.
Coding change: c.23C>T on transcript NM_004168.4 (MANE Select); coding-DNA position 23, C replaced by T.
Protein change: p.Ser8Leu; replaces serine 8 with leucine.
Molecular consequence: missense variant.
Genome position (GRCh38, 1-based): chr5:218,378, C>T. VCF-style: chr5-218378-C-T. GRCh37 (hg19) VCF-style: chr5-218493-C-T.
Other names: c.23C>T, p.Ser8Leu (NM_001294332.2, NM_001330758.2); c.23C>T (NM_004168.2); short protein forms S8L.
Identifiers: ClinVar variation 1466771 (VCV001466771.9), dbSNP rs878854631, ClinGen allele CA359007298.

ClinVar aggregate classification (germline): Conflicting classifications of pathogenicity. Review status: criteria provided, conflicting classifications (1 of 4 stars). 2 submissions from 2 submitters: Uncertain significance (1); Likely benign (1). Last evaluated 2025-08-28.

Conditions:
Hereditary cancer-predisposing syndrome. Also called: Neoplastic Syndromes, Hereditary; Hereditary Cancer Syndrome; Hereditary neoplastic syndrome; Tumor predisposition. Identifiers: Orphanet 140162, MedGen C0027672, MeSH D009386, MONDO:0015356.
Mitochondrial complex II deficiency, nuclear type 1. Also called: SUCCINATE CoQ REDUCTASE DEFICIENCY. Identifiers: Orphanet 3208, MedGen C5700310, MONDO:0100294, OMIM 252011.
Pheochromocytoma/paraganglioma syndrome 5. Also called: Paragangliomas 5; SDHA-Related Hereditary Paraganglioma-Pheochromocytoma Syndrome. Identifiers: Orphanet 29072, MedGen C3279992, MONDO:0013602, OMIM 614165.

Submissions (2):

Ambry Genetics
Classification: Likely benign for Hereditary cancer-predisposing syndrome. Last evaluated: 2025-08-28. Review status: criteria provided, single submitter. Criteria: Ambry Variant Classification Scheme 2023. Collection method: clinical testing. Allele origin: germline.

Labcorp Genetics (formerly Invitae), Labcorp
Classification: Uncertain significance for Pheochromocytoma/paraganglioma syndrome 5; Mitochondrial complex II deficiency, nuclear type 1. Last evaluated: 2025-05-27. Review status: criteria provided, single submitter. Criteria: Invitae Variant Classification Sherloc (09022015). Collection method: clinical testing. Allele origin: germline.
Comment: This sequence change replaces serine, which is neutral and polar, with leucine, which is neutral and non-polar, at codon 8 of the SDHA protein (p.Ser8Leu). This variant is not present in population databases (gnomAD no frequency). This variant has not been reported in the literature in individuals affected with SDHA-related conditions. ClinVar contains an entry for this variant (Variation ID: 1466771). Invitae Evidence Modeling of protein sequence and biophysical properties (such as structural, functional, and spatial information, amino acid conservation, physicochemical variation, residue mobility, and thermodynamic stability) indicates that this missense variant is not expected to disrupt SDHA protein function with a negative predictive value of 95%. In summary, the available evidence is currently insufficient to determine the role of this variant in disease. Therefore, it has been classified as a Variant of Uncertain Significance.